The following is an entry in ClinVar:

NM_001291415.2(KDM6A):c.493C>T (p.Arg165Ter)

Gene: KDM6A (lysine demethylase 6A; plus strand). Cytogenetic location: Xp11.3.
Variant type: single nucleotide variant.
Coding change: c.493C>T on transcript NM_001291415.2 (MANE Select); coding-DNA position 493, C replaced by T.
Protein change: p.Arg165Ter; replaces arginine 165 with a stop codon.
Molecular consequence: nonsense. On other transcripts: non-coding transcript variant (1), intron variant (1).
Genome position (GRCh38, 1-based): chrX:45,020,659, C>T. VCF-style: chrX-45020659-C-T. GRCh37 (hg19) VCF-style: chrX-44879904-C-T.
Other names: c.493C>T, p.Arg165Ter (NM_001291416.2, NM_001291417.2, NM_001291418.2 and 1 more transcripts); c.-190+9640C>T (NM_001291421.2); short protein forms R165*.
Identifiers: ClinVar variation 692010 (VCV000692010.19), dbSNP rs912069418, ClinGen allele CA329567477.

ClinVar aggregate classification (germline): Pathogenic. Review status: criteria provided, multiple submitters, no conflicts (2 of 4 stars). 7 submissions from 7 submitters: Pathogenic (6). 1 of the submissions does not count toward it. Last evaluated 2026-02-21.

Conditions:
Kabuki syndrome 2 (KABUK2). Also called: KDM6A-Related Kabuki Syndrome. Identifiers: Orphanet 2322, MedGen C3275495, MONDO:0010465, OMIM 300867.
Malignant tumor of urinary bladder. Also called: Bladder cancer; Urinary bladder cancer; Urinary Bladder Neoplasms. Identifiers: MedGen C0005684, MONDO:0001187, OMIM 109800.
KDM6A-related disorder. Also called: KDM6A-related condition.

Allele frequency attached by ClinVar (database versions not stated): TOPMed 0.00001.

Submissions (7):

PreventionGenetics, part of Exact Sciences
Classification: Pathogenic for KDM6A-related condition. Last evaluated: 2026-02-21. Review status: criteria provided, single submitter. Criteria: ACMG Guidelines, 2015. Collection method: clinical testing. Allele origin: germline.
Comment: The KDM6A c.493C>T variant is predicted to result in premature protein termination (p.Arg165*). This variant has been reported as de novo in individuals with Kabuki syndrome (Gole et al. 2016. PubMed ID: 27777708; Wigby et al. 2023. PubMed ID: 36651673). This variant has not been reported in a large population database (gnomAD), indicating this variant is rare. This variant has been classified as pathogenic by multiple submitters in ClinVar (Variation ID: 692010). Nonsense variants in KDM6A are expected to be pathogenic. This variant is interpreted as pathogenic.

3billion
Classification: Pathogenic for Kabuki syndrome 2. Last evaluated: 2025-09-18. Review status: criteria provided, single submitter. Criteria: ACMG Guidelines, 2015. Collection method: clinical testing. Allele origin: germline. Affected: yes.
Comment: The variant is not observed in the gnomAD v4.1.0 dataset. Predicted Consequence/Location: Stop-gained (nonsense): predicted to result in a loss or disruption of normal protein function through nonsense-mediated decay (NMD) or protein truncation. Multiple pathogenic variants are reported downstream of the variant. The variant has been previously reported as de novo in a similarly affected individual (PMID: 27777708). The variant has been reported at least twice as pathogenic with clinical assertions and evidence for the classification (ClinVar ID: VCV000692010 /PMID: 27777708 /3billion dataset). Therefore, this variant is classified as Pathogenic according to the recommendation of ACMG/AMP guideline.

Labcorp Genetics (formerly Invitae), Labcorp
Classification: Pathogenic for Kabuki syndrome 2. Last evaluated: 2022-08-30. Review status: criteria provided, single submitter. Criteria: Invitae Variant Classification Sherloc (09022015). Collection method: clinical testing. Allele origin: germline.
Comment: This premature translational stop signal has been observed in individual(s) with Kabuki syndrome (PMID: 27777708). In at least one individual the variant was observed to be de novo. For these reasons, this variant has been classified as Pathogenic. Algorithms developed to predict the effect of sequence changes on RNA splicing suggest that this variant may disrupt the consensus splice site. ClinVar contains an entry for this variant (Variation ID: 692010). This variant is not present in population databases (gnomAD no frequency). This sequence change creates a premature translational stop signal (p.Arg165*) in the KDM6A gene. It is expected to result in an absent or disrupted protein product. Loss-of-function variants in KDM6A are known to be pathogenic (PMID: 23076834, 23913813).

GeneDx
Classification: Pathogenic. Last evaluated: 2022-01-19. Review status: criteria provided, single submitter. Criteria: GeneDx Variant Classification Process June 2021. Collection method: clinical testing. Allele origin: germline. Affected: yes.
Comment: Nonsense variant predicted to result in protein truncation or nonsense mediated decay in a gene for which loss-of-function is a known mechanism of disease; Not observed at significant frequency in large population cohorts (gnomAD); This variant is associated with the following publications: (PMID: 27777708)

Breda Genetics srl
Classification: Pathogenic for Kabuki syndrome 2. Last evaluated: 2020-08-24. Review status: criteria provided, single submitter. Criteria: ACMG Guidelines, 2015. Collection method: clinical testing. Allele origin: germline. Inheritance: X-linked dominant inheritance. Affected: yes. Observed: 1 variant allele, 1 heterozygote.
Comment: The variant c.493C>T (p.Arg165*) in the KDM6A gene is reported as pathogenic for Kabuki syndrome 2 in ClinVar (Variation ID: 692010). The variant creates a premature stop codon at amino acid position Arg165, which is likely to result in a truncated protein or protein loss due to nonsense-mediated messenger decay (NMD). There is no information on frequency in gnomAD, 1000 Genomes or NHLI Exome Sequencing Project (ESP).

Rady Children's Institute for Genomic Medicine, Rady Children's Hospital San Diego
Classification: Pathogenic for KABUKI SYNDROME 2. Last evaluated: 2018-02-16. Review status: criteria provided, single submitter. Criteria: ACMG Guidelines, 2015. Collection method: clinical testing. Allele origin: germline. Affected: yes. Observed: 1 variant allele.
Comment: This variant has not been previously reported in the literature to our knowledge, but other pathogenic stop-gain changes have been reported in the literature in association with Kabuki syndrome 2 (PMID: 27302555). This variant is not present in the SNP databases. Based on the available evidence, this variant is classified as pathogenic.

Laboratory of Urology, Hospital Clinic de Barcelona
Classification: Pathogenic for Malignant tumor of urinary bladder. Review status: no assertion criteria provided. Collection method: research. Allele origin: somatic. Affected: yes. Not counted in ClinVar's aggregate classification.

Literature cited by the submitters: PubMed 27777708 (cited by 3 submitters); PubMed 23076834 (cited by Labcorp Genetics (formerly Invitae), Labcorp); PubMed 23913813 (cited by Labcorp Genetics (formerly Invitae), Labcorp).